The following is an entry in ClinVar:

NM_001267550.2(TTN):c.47859C>T (p.Thr15953=)

Genes: TTN (titin; minus strand), TTN-AS1 (TTN antisense RNA 1; plus strand). Cytogenetic location: 2q31.2.
Variant type: single nucleotide variant.
Coding change: c.47859C>T on transcript NM_001267550.2 (MANE Select); coding-DNA position 47859, C replaced by T.
Protein change: p.Thr15953=; no amino-acid change (threonine 15953 retained).
Molecular consequence: synonymous variant.
Genome position (GRCh38, 1-based): chr2:178,617,136, G>A on the plus strand (C>T on the coding strand, the complement: TTN is on the minus strand). VCF-style: chr2-178617136-G-A. GRCh37 (hg19) VCF-style: chr2-179481863-G-A.
Other names: c.42936C>T, p.Thr14312= (NM_001256850.1); c.20664C>T, p.Thr6888= (NM_003319.4); c.40155C>T, p.Thr13385= (NM_133378.4); c.21039C>T, p.Thr7013= (NM_133432.3); c.21240C>T, p.Thr7080= (NM_133437.4).
Identifiers: ClinVar variation 516821 (VCV000516821.18), dbSNP rs769989672, ClinGen allele CA1994969.

ClinVar aggregate classification (germline): Benign/Likely benign. Review status: criteria provided, multiple submitters, no conflicts (2 of 4 stars). 5 submissions from 5 submitters: Benign (1); Likely benign (4). Last evaluated 2026-01-26.

Conditions:
Autosomal recessive limb-girdle muscular dystrophy type 2J (LGMDR10). Also called: Limb-girdle muscular dystrophy, type 2J; MUSCULAR DYSTROPHY, LIMB-GIRDLE, AUTOSOMAL RECESSIVE 10. Identifiers: Orphanet 140922, MedGen C1837342, MONDO:0012127, OMIM 608807.
Dilated cardiomyopathy 1G (CMD1G). Identifiers: Orphanet 154, MedGen C1858763, MONDO:0011400, OMIM 604145.
TTN-related disorder. Also called: TTN-related condition; TTN-related disease; TTN-related disorders.
Cardiovascular phenotype. Identifiers: MedGen CN230736.

Allele frequency attached by ClinVar (database versions not stated): TOPMed 0.00004; gnomAD 0.00006.
gnomAD v4.1: 132 of 1,609,128 alleles (0.0082%); highest among the groups gnomAD compares: African/African-American, 0.012%; no homozygotes.

Submissions (5):

Labcorp Genetics (formerly Invitae), Labcorp
Classification: Likely benign for Dilated cardiomyopathy 1G; Autosomal recessive limb-girdle muscular dystrophy type 2J. Last evaluated: 2026-01-26. Review status: criteria provided, single submitter. Criteria: Invitae Variant Classification Sherloc (09022015). Collection method: clinical testing. Allele origin: germline.

PreventionGenetics, part of Exact Sciences
Classification: Likely benign for TTN-related condition. Last evaluated: 2025-06-27. Review status: criteria provided, single submitter. Criteria: ACMG Guidelines, 2015. Collection method: clinical testing. Allele origin: germline.
Comment: This variant is classified as likely benign based on ACMG/AMP sequence variant interpretation guidelines (Richards et al. 2015 PMID: 25741868, with internal and published modifications).

Blueprint Genetics
Classification: Likely benign. Last evaluated: 2024-08-14. Review status: criteria provided, single submitter. Criteria: ACMG Guidelines, 2015. Collection method: clinical testing. Allele origin: germline.

Ambry Genetics
Classification: Benign for Cardiovascular phenotype. Last evaluated: 2020-09-21. Review status: criteria provided, single submitter. Criteria: Ambry Variant Classification Scheme 2023. Collection method: clinical testing. Allele origin: germline.

GeneDx
Classification: Likely benign. Last evaluated: 2019-10-16. Review status: criteria provided, single submitter. Criteria: GeneDx Variant Classification Process June 2021. Collection method: clinical testing. Allele origin: germline. Affected: yes.